The following is an entry in ClinVar:

NM_015937.6(PIGT):c.190T>C (p.Ser64Pro)

Gene: PIGT (phosphatidylinositol glycan anchor biosynthesis class T; plus strand). Cytogenetic location: 20q13.12.
Variant type: single nucleotide variant.
Coding change: c.190T>C on transcript NM_015937.6 (MANE Select); coding-DNA position 190, T replaced by C.
Protein change: p.Ser64Pro; replaces serine 64 with proline.
Molecular consequence: missense variant. On other transcripts: non-coding transcript variant (3), intron variant (1).
Genome position (GRCh38, 1-based): chr20:45,416,519, T>C. VCF-style: chr20-45416519-T-C. GRCh37 (hg19) VCF-style: chr20-44045159-T-C.
Other names: c.190T>C, p.Ser64Pro (NM_001184728.3, NM_001184729.3); c.187+176T>C (NM_001184730.3); short protein forms S64P.
Identifiers: ClinVar variation 1418899 (VCV001418899.8), dbSNP rs2145432883, ClinGen allele CA409166017.

ClinVar aggregate classification (germline): Uncertain significance (1 of 4 stars; one submission).

Conditions:
Multiple congenital anomalies-hypotonia-seizures syndrome 3 (MCAHS3). Also called: GLYCOSYLPHOSPHATIDYLINOSITOL BIOSYNTHESIS DEFECT 7. Identifiers: Orphanet 369837, MedGen C3809356, MONDO:0014165, OMIM 615398.

Allele frequency attached by ClinVar (database versions not stated): gnomAD exomes below 0.00001.
gnomAD v4.1: 2 of 1,613,876 alleles (0.00012%); highest among the groups gnomAD compares: Non-Finnish European, 0.00017%; no homozygotes.

Submission:

Labcorp Genetics (formerly Invitae), Labcorp
Classification: Uncertain significance for Multiple congenital anomalies-hypotonia-seizures syndrome 3. Last evaluated: 2022-08-23. Review status: criteria provided, single submitter. Criteria: Invitae Variant Classification Sherloc (09022015). Collection method: clinical testing. Allele origin: germline.
Comment: In summary, the available evidence is currently insufficient to determine the role of this variant in disease. Therefore, it has been classified as a Variant of Uncertain Significance. Algorithms developed to predict the effect of missense changes on protein structure and function are either unavailable or do not agree on the potential impact of this missense change (SIFT: "Tolerated"; PolyPhen-2: "Probably Damaging"; Align-GVGD: "Class C0"). ClinVar contains an entry for this variant (Variation ID: 1418899). This variant has not been reported in the literature in individuals affected with PIGT-related conditions. This variant is not present in population databases (gnomAD no frequency). This sequence change replaces serine, which is neutral and polar, with proline, which is neutral and non-polar, at codon 64 of the PIGT protein (p.Ser64Pro).